The following is an entry in ClinVar:

ClinVar aggregate classification (germline): Pathogenic (1 of 4 stars; one submission).

Allele frequency attached by ClinVar (database versions not stated): gnomAD exomes below 0.00001.

Submission:

Labcorp Genetics (formerly Invitae), Labcorp
Classification: Pathogenic. Last evaluated: 2022-02-11. Review status: criteria provided, single submitter. Criteria: Invitae Variant Classification Sherloc (09022015). Collection method: clinical testing. Allele origin: germline.
Comment: This variant is not present in population databases (gnomAD no frequency). For these reasons, this variant has been classified as Pathogenic. This variant has not been reported in the literature in individuals affected with SLC24A1-related conditions. This sequence change creates a premature translational stop signal (p.Ser56Alafs*12) in the SLC24A1 gene. It is expected to result in an absent or disrupted protein product. Loss-of-function variants in SLC24A1 are known to be pathogenic (PMID: 20850105, 26822852).

Literature cited by the submitters: PubMed 20850105; PubMed 26822852.

NM_004727.3(SLC24A1):c.162_169del (p.Ser56fs)

Gene: SLC24A1 (solute carrier family 24 member 1; plus strand). Cytogenetic location: 15q22.31.
Variant type: Deletion.
Coding change: c.162_169del on transcript NM_004727.3 (MANE Select); coding-DNA positions 162 to 169, 8 bases deleted (CTCTTCTC; older notation c.162_169delCTCTTCTC).
Protein change: p.Ser56fs; shifts the reading frame from serine 56.
Molecular consequence: frameshift variant.
Genome position (GRCh38, 1-based): chr15:65,624,242-65,624,249, CTCTTCTC deleted. VCF-style (leftmost placement, unchanged base first): chr15-65624241-TCTCTTCTC-T. GRCh37 (hg19) VCF-style: chr15-65916579-TCTCTTCTC-T.
Other names: c.162_169del, p.Ser56fs (NM_001301031.1, NM_001301032.1, NM_001301033.2); short protein forms S56fs.
Identifiers: ClinVar variation 1352702 (VCV001352702.6), dbSNP rs2141456737, ClinGen allele CA2573151050.